The following is an entry in ClinVar:

NM_004586.3(RPS6KA3):c.632-7T>C

Gene: RPS6KA3 (ribosomal protein S6 kinase A3; minus strand). Cytogenetic location: Xp22.12.
Variant type: single nucleotide variant.
Coding change: c.632-7T>C on transcript NM_004586.3 (MANE Select); 7 bases into the intron before coding-DNA position 632, T replaced by C.
Molecular consequence: intron variant.
Genome position (GRCh38, 1-based): chrX:20,187,977, A>G on the plus strand (T>C on the coding strand, the complement: RPS6KA3 is on the minus strand). VCF-style: chrX-20187977-A-G. GRCh37 (hg19) VCF-style: chrX-20206095-A-G.
Identifiers: ClinVar variation 1312847 (VCV001312847.2), dbSNP rs2148686758, ClinGen allele CA2573055202.

ClinVar aggregate classification (germline): Uncertain significance (1 of 4 stars; one submission).

Submission:

GeneDx
Classification: Uncertain significance. Last evaluated: 2020-07-06. Review status: criteria provided, single submitter. Criteria: GeneDx Variant Classification Process June 2021. Collection method: clinical testing. Allele origin: germline. Affected: yes.
Comment: Not observed at a significant frequency in large population cohorts (Lek et al., 2016); In silico analysis supports that this variant does not alter splicing, and the nucleotide substitution is not conserved across species; Has not been previously published as pathogenic or benign to our knowledge